The following is an entry in ClinVar:

ClinVar aggregate classification (germline): Uncertain significance (1 of 4 stars; one submission).

Conditions:
Myofibrillar myopathy 4. Also called: Zaspopathy (type). Identifiers: Orphanet 98912, MedGen C4721886, MONDO:0012277, OMIM 609452.

Submission:

Labcorp Genetics (formerly Invitae), Labcorp
Classification: Uncertain significance for Myofibrillar myopathy 4. Last evaluated: 2026-01-25. Review status: criteria provided, single submitter. Criteria: Invitae Variant Classification Sherloc (09022015). Collection method: clinical testing. Allele origin: germline.
Comment: The LDB3 gene has multiple clinically relevant transcripts. This variant occurs in alternate transcript NM_007078.3, and corresponds to NM_001080116.1:c.321+1591C>G in the primary transcript. This sequence change replaces glutamine, which is neutral and polar, with glutamic acid, which is acidic and polar, at codon 212 of the LDB3 protein (p.Gln212Glu). This variant is present in population databases (no rsID available, gnomAD 0.0009%). This variant has not been reported in the literature in individuals affected with LDB3-related conditions. Algorithms developed to predict the effect of sequence changes on RNA splicing suggest that this variant is not likely to affect RNA splicing. In summary, the available evidence is currently insufficient to determine the role of this variant in disease. Therefore, it has been classified as a Variant of Uncertain Significance.

NM_007078.3(LDB3):c.634C>G (p.Gln212Glu)

Gene: LDB3 (LIM domain binding 3; plus strand). Cytogenetic location: 10q23.2.
Variant type: single nucleotide variant.
Coding change: c.634C>G on transcript NM_007078.3 (MANE Select); coding-DNA position 634, C replaced by G.
Protein change: p.Gln212Glu; replaces glutamine 212 with glutamic acid.
Molecular consequence: missense variant. On other transcripts: intron variant (5).
Genome position (GRCh38, 1-based): chr10:86,681,748, C>G. VCF-style: chr10-86681748-C-G. GRCh37 (hg19) VCF-style: chr10-88441505-C-G.
Other names: c.634C>G, p.Gln212Glu (NM_001080115.2, NM_001171610.2, NM_001171611.2 and 3 more transcripts); c.321+1591C>G (NM_001368068.1, NM_001368066.1, NM_001080114.2 and 2 more transcripts); short protein forms Q212E.
Identifiers: ClinVar variation 4743419 (VCV004743419.1).